The following is an entry in ClinVar:

NM_203290.4(POLR1C):c.60G>C (p.Gly20=)

Genes: POLR1C (RNA polymerase I and III subunit C; plus strand), LOC129996517 (ATAC-STARR-seq lymphoblastoid active region 24602; plus strand). Cytogenetic location: 6p21.1.
Variant type: single nucleotide variant.
Coding change: c.60G>C on transcript NM_203290.4 (MANE Select); coding-DNA position 60, G replaced by C.
Protein change: p.Gly20=; no amino-acid change (glycine 20 retained).
Molecular consequence: synonymous variant.
Genome position (GRCh38, 1-based): chr6:43,517,169, G>C. VCF-style: chr6-43517169-G-C. GRCh37 (hg19) VCF-style: chr6-43484907-G-C.
Other names: c.60G>C, p.Gly20= (NM_001318876.2, NM_001363658.2); c.60G>C (NM_203290.3).
Identifiers: ClinVar variation 3692453 (VCV003692453.3).
Genomic context (GRCh38, chr6:43,517,169, plus strand): 5'-GATGGCGGCTTCTCAGGCGGTGGAGGAAATGCGGAGCCGCGTGGTTCTGGGGGAGTTTGG[G>C]GTTCGCAATGTAAGCCTTGTGGCCTTGAGCTCGGGCGGGAGGAATGAGAGCGGAACAGGG-3'
Protein context (NP_976035.1, residues 10-30): MRSRVVLGEF[Gly20=]VRNVHTTDFP

ClinVar aggregate classification (germline): Likely benign. Review status: criteria provided, multiple submitters, no conflicts (2 of 4 stars). 2 submissions from 2 submitters: Likely benign (2). Last evaluated 2026-08-04.

Conditions:
POLR1C-related disorder. Also called: POLR1C-related condition; POLR1C-related disorders. Identifiers: MedGen CN239394, MONDO:0700278.

gnomAD v4.1: 20 of 1,614,000 alleles (0.0012%); highest among the groups gnomAD compares: Non-Finnish European, 0.0016%; no homozygotes.

Submissions (2):

PreventionGenetics, part of Exact Sciences
Classification: Likely benign for POLR1C-related condition. Last evaluated: 2026-08-04. Review status: criteria provided, single submitter. Criteria: ACMG Guidelines, 2015. Collection method: clinical testing. Allele origin: germline.
Comment: This variant is classified as likely benign based on ACMG/AMP sequence variant interpretation guidelines (Richards et al. 2015 PMID: 25741868, with internal and published modifications).

Labcorp Genetics (formerly Invitae), Labcorp
Classification: Likely benign. Last evaluated: 2024-07-23. Review status: criteria provided, single submitter. Criteria: Invitae Variant Classification Sherloc (09022015). Collection method: clinical testing. Allele origin: germline.